The following is an entry in ClinVar:

ClinVar aggregate classification (germline): Pathogenic (1 of 4 stars; one submission).

Submission:

Labcorp Genetics (formerly Invitae), Labcorp
Classification: Pathogenic. Last evaluated: 2023-03-03. Review status: criteria provided, single submitter. Criteria: Invitae Variant Classification Sherloc (09022015). Collection method: clinical testing. Allele origin: germline.
Comment: For these reasons, this variant has been classified as Pathogenic. This variant has not been reported in the literature in individuals affected with CDH23-related conditions. This variant is not present in population databases (gnomAD no frequency). This sequence change creates a premature translational stop signal (p.Val2152Phefs*12) in the CDH23 gene. It is expected to result in an absent or disrupted protein product. Loss-of-function variants in CDH23 are known to be pathogenic (PMID: 11138009, 21940737).

Literature cited by the submitters: PubMed 11138009; PubMed 21940737.

NM_022124.6(CDH23):c.6453del (p.Val2152fs)

Gene: CDH23 (cadherin related 23; plus strand). Cytogenetic location: 10q22.1.
Variant type: Deletion.
Coding change: c.6453del on transcript NM_022124.6 (MANE Select); coding-DNA position 6453, one base deleted (C; older notation c.6453delC).
Protein change: p.Val2152fs; shifts the reading frame from valine 2152.
Molecular consequence: frameshift variant.
Genome position (GRCh38, 1-based): chr10:71,793,381, C deleted; the last of 2 consecutive C bases (chr10:71,793,380-71,793,381); deleting either gives the same sequence. VCF-style (leftmost placement, unchanged base first): chr10-71793379-AC-A. GRCh37 (hg19) VCF-style: chr10-73553136-AC-A.
Other names: short protein forms V2152fs.
Identifiers: ClinVar variation 2842400 (VCV002842400.3), dbSNP rs2494384846, ClinGen allele CA2739275743.
Genomic context (GRCh38, chr10:71,793,379, plus strand): 5'-ACCATCGACAGAGAGGAGCAGGAGTCCTACAGGCTAACGGTGGTGGCCACCGACCGGGGC[AC>A]CGTTCCTCTCTCGGGCACAGCCATTGTCACCATTCTGATCGATGACATCAATGACTCCCG-3'